The following is an entry in ClinVar:

NM_000435.3(NOTCH3):c.4334C>T (p.Ala1445Val)

Gene: NOTCH3 (notch receptor 3; minus strand). Cytogenetic location: 19p13.12.
Variant type: single nucleotide variant.
Coding change: c.4334C>T on transcript NM_000435.3 (MANE Select); coding-DNA position 4334, C replaced by T.
Protein change: p.Ala1445Val; replaces alanine 1445 with valine.
Molecular consequence: missense variant.
Genome position (GRCh38, 1-based): chr19:15,177,594, G>A on the plus strand (C>T on the coding strand, the complement: NOTCH3 is on the minus strand). VCF-style: chr19-15177594-G-A. GRCh37 (hg19) VCF-style: chr19-15288405-G-A.
Other names: p.Ala1445Val; short protein forms A1445V.
Identifiers: ClinVar variation 3380591 (VCV003380591.1).

ClinVar aggregate classification (germline): Uncertain significance (1 of 4 stars; one submission).

gnomAD v4.1: 1 of 1,602,316 alleles (0.000062%); no homozygotes.

Submission:

Mayo Clinic Laboratories, Mayo Clinic
Classification: Uncertain significance. Last evaluated: 2023-07-14. Review status: criteria provided, single submitter. Criteria: ACMG Guidelines, 2015. Collection method: clinical testing. Allele origin: germline. Observed: 1 variant allele.
Comment: BP1, BP4, PM2_moderate